The following is an entry in ClinVar:

ClinVar aggregate classification (germline): Likely benign (0 of 4 stars; one submission).

Conditions:
COL5A2-related disorder. Also called: COL5A2-related condition.

Submission:

PreventionGenetics, part of Exact Sciences
Classification: Likely benign for COL5A2-related condition. Last evaluated: 2024-08-28. Review status: no assertion criteria provided. Collection method: clinical testing. Allele origin: germline.
Comment: This variant is classified as likely benign based on ACMG/AMP sequence variant interpretation guidelines (Richards et al. 2015 PMID: 25741868, with internal and published modifications).

NM_000393.5(COL5A2):c.1105-8T>C

Gene: COL5A2 (collagen type V alpha 2 chain; minus strand). Cytogenetic location: 2q32.2.
Variant type: single nucleotide variant.
Coding change: c.1105-8T>C on transcript NM_000393.5 (MANE Select); 8 bases into the intron before coding-DNA position 1105, T replaced by C.
Molecular consequence: intron variant.
Genome position (GRCh38, 1-based): chr2:189,072,101, A>G on the plus strand (T>C on the coding strand, the complement: COL5A2 is on the minus strand). VCF-style: chr2-189072101-A-G. GRCh37 (hg19) VCF-style: chr2-189936827-A-G.
Identifiers: ClinVar variation 3344593 (VCV003344593.1).
Genomic context (GRCh38, chr2:189,072,101, plus strand): 5'-TTCATTCCAGGATTTCCTGGAAAACCAGAAGAGCCTGGTATCCCAAGAGGACCCTATTAA[A>G]AGAAACCAGAAAAGTAATCAGACATGTATTCAATTAGTATCTAATTAGGTCATTTTTTAG-3'